The following is an entry in ClinVar:

NM_001943.5(DSG2):c.312T>A (p.Phe104Leu)

Gene: DSG2 (desmoglein 2; plus strand). Cytogenetic location: 18q12.1.
Variant type: single nucleotide variant.
Coding change: c.312T>A on transcript NM_001943.5 (MANE Select); coding-DNA position 312, T replaced by A.
Protein change: p.Phe104Leu; replaces phenylalanine 104 with leucine.
Molecular consequence: missense variant.
Genome position (GRCh38, 1-based): chr18:31,520,898, T>A. VCF-style: chr18-31520898-T-A. GRCh37 (hg19) VCF-style: chr18-29100861-T-A.
Other names: short protein forms F104L.
Identifiers: ClinVar variation 3386570 (VCV003386570.1).

ClinVar aggregate classification (germline): Uncertain significance (1 of 4 stars; one submission).

Conditions:
Arrhythmogenic right ventricular cardiomyopathy (ARVD). Also called: Arrhythmogenic right ventricular dysplasia; Cardiomyopathy, ARVC; Arrhythmogenic cardiomyopathy; Arrhythmogenic Right Ventricular Cardiomyopathy (ARVC). Identifiers: Orphanet 247, MedGen C0349788, MeSH D019571, MONDO:0016587. Disease mechanism: loss of function. Inheritance: Various modes of inheritance.

Submission:

All of Us Research Program, National Institutes of Health
Classification: Uncertain significance for Arrhythmogenic right ventricular cardiomyopathy. Last evaluated: 2024-02-22. Review status: criteria provided, single submitter. Criteria: ACMG Guidelines, 2015. Collection method: clinical testing. Allele origin: germline. Inheritance: Autosomal dominant inheritance. Observed: 1 variant allele, 1 heterozygote.
Comment: This missense variant replaces phenylalanine with leucine at codon 104 of the DSG2 protein. Computational prediction suggests that this variant may not impact protein structure and function (internally defined REVEL score threshold <= 0.5, PMID: 27666373). To our knowledge, functional studies have not been reported for this variant. This variant has not been reported in individuals affected with DSG2-related disorders in the literature. This variant has not been identified in the general population by the Genome Aggregation Database (gnomAD). The available evidence is insufficient to determine the role of this variant in disease conclusively. Therefore, this variant is classified as a Variant of Uncertain Significance.

This study involves interpretation of variants in research participants for the purpose of population health screening. Participant phenotype was not available at the time of variant classification. Additional details can be found in publication PMID: 35346344, PMCID: PMC8962531